The following is an entry in ClinVar:

NM_001330574.2(ZNF711):c.1853G>A (p.Gly618Asp)

Gene: ZNF711 (ZFX family zinc finger ZNF711; plus strand). Cytogenetic location: Xq21.1.
Variant type: single nucleotide variant.
Coding change: c.1853G>A on transcript NM_001330574.2 (MANE Select); coding-DNA position 1853, G replaced by A.
Protein change: p.Gly618Asp; replaces glycine 618 with aspartic acid.
Molecular consequence: missense variant.
Genome position (GRCh38, 1-based): chrX:85,271,257, G>A. VCF-style: chrX-85271257-G-A. GRCh37 (hg19) VCF-style: chrX-84526263-G-A.
Other names: c.1853G>A, p.Gly618Asp (NM_001375431.1, NM_001375432.1, NM_001375433.1); c.1715G>A, p.Gly572Asp (NM_001375434.1, NM_001375435.1, NM_001375436.1 and 2 more transcripts); short protein forms G572D, G618D.
Identifiers: ClinVar variation 5003067 (VCV005003067.1).
Genomic context (GRCh38, chrX:85,271,257, plus strand): 5'-TTAAGTCTAAACATGGTAACAATTTGCCATATAAATGTGAGCATTGTCCCCAAGCATTTG[G>A]TGATGAGAGGGAGCTTCAACGCCATCTGGATTTGTTTCAAGGACATAAGACACACCAGTG-3'
Protein context (NP_001317503.1, residues 608-628): YKCEHCPQAF[Gly618Asp]DERELQRHLD

ClinVar aggregate classification (germline): Uncertain significance (1 of 4 stars; one submission).

Conditions:
Intellectual developmental disorder, X-linked 97. Also called: Intellectual disability, X-linked 97. Identifiers: Orphanet 777, MedGen C2749020, MONDO:0010430, OMIM 300803.

Submission:

OLLIN Analises Genomicas, OLLIN
Classification: Uncertain significance for Intellectual developmental disorder, X-linked 97. Last evaluated: 2026-08-06. Review status: criteria provided, single submitter. Criteria: ACMG Guidelines 2015 PMID 25741868. Collection method: clinical testing. Allele origin: germline.
Comment: This missense variant, located in exon 11 (of 11), is absent from gnomAD and ClinVar and has not been identified in the literature. In silico analysis predicts that this variant has a tolerated effect. According to the currently available evidence, this variant has been classified as uncertain significance (PM2_P, BP4_M).